The following is an entry in ClinVar:

NM_000435.3(NOTCH3):c.6102dup (p.Gly2035fs)

Gene: NOTCH3 (notch receptor 3; minus strand). Cytogenetic location: 19p13.12.
Variant type: Duplication.
Coding change: c.6102dup on transcript NM_000435.3 (MANE Select); coding-DNA position 6102, one base duplicated (C; older notation c.6102dupC).
Protein change: p.Gly2035fs; shifts the reading frame from glycine 2035.
Molecular consequence: frameshift variant.
Genome position (GRCh38, 1-based): chr19:15,161,526, G duplicated on the plus strand (C on the coding strand, the reverse complement: NOTCH3 is on the minus strand); the first of 7 consecutive G bases (chr19:15,161,526-15,161,532); duplicating any one gives the same sequence. VCF-style (leftmost placement, unchanged base first): chr19-15161525-C-CG. GRCh37 (hg19) VCF-style: chr19-15272336-C-CG.
Other names: c.6102dupC (NM_000435.2); short protein forms G2035fs.
Identifiers: ClinVar variation 1807361 (VCV001807361.11), dbSNP rs771517374, ClinGen allele CA9262419.

ClinVar aggregate classification (germline): Conflicting classifications of pathogenicity. Review status: criteria provided, conflicting classifications (1 of 4 stars). 6 submissions from 6 submitters: Likely pathogenic (1); Uncertain significance (5). Last evaluated 2026-08-01.

Conditions:
NOTCH3-related disorder. Also called: NOTCH3-related disorders; NOTCH3-related condition.
Inborn genetic diseases. Identifiers: MedGen C0950123, MeSH D030342.

Submissions (6):

CeGaT Center for Human Genetics Tuebingen
Classification: Likely pathogenic. Last evaluated: 2026-08-01. Review status: criteria provided, single submitter. Criteria: CeGaT Center For Human Genetics Tuebingen Variant Classification Criteria Version 2. Collection method: clinical testing. Allele origin: germline. Affected: yes. Observed: 2 variant alleles.
Comment: NOTCH3: PVS1:Strong, PM2, PS4:Supporting

Ambry Genetics
Classification: Uncertain significance for Inborn genetic diseases. Last evaluated: 2026-07-06. Review status: criteria provided, single submitter. Criteria: Ambry Variant Classification Scheme 2023. Collection method: clinical testing. Allele origin: germline.
Comment: The c.6102dupC (p.G2035Rfs*60) alteration, located in exon 33 (coding exon 33) of the NOTCH3 gene, consists of a duplication of C at position 6102, causing a translational frameshift with a predicted alternate stop codon after 60 amino acids. This variant is not expected to trigger nonsense-mediated mRNA decay and impacts the last 12% of the protein. The exact functional effect of this variant is unknown. The Genome Aggregation Database (gnomAD) data for this variant is unreliable due to technical and/or biological issues; therefore, population frequency estimates were not considered. This variant was reported in individual(s) with features consistent with CADASIL (cerebral autosomal dominant arteriopathy with subcortical infarcts and leukoencephalopathy) (Madjidov, 2025; M&ouml;nk&auml;re, 2022; external communication). Based on insufficient or conflicting evidence, the clinical significance of this alteration remains unclear.

PreventionGenetics, part of Exact Sciences
Classification: Uncertain significance for NOTCH3-related condition. Last evaluated: 2026-02-16. Review status: criteria provided, single submitter. Criteria: ACMG Guidelines, 2015. Collection method: clinical testing. Allele origin: germline.
Comment: The NOTCH3 c.6102dupC variant is predicted to result in a frameshift and premature protein termination (p.Gly2035Argfs*60). De novo frameshift variants in the terminal exon of NOTCH3 have been reported as causative for lateral meningocele syndrome (LMNS), but documented patients with this particular variant have not been noted to have this phenotype; therefore, this alteration is a variant of uncertain significance with regard to LMNS (OMIM #130720; Gripp et al. 2015. PubMed ID: 25394726). The association of exon 33 frameshift variants with CADASIL is not well documented, so the classification of this variant in association with a CADASIL phenotype also remains uncertain. Of note, we have reported this variant in other affected individuals tested at PreventionGenetics. This variant has also been reported in a single patient in the literature who had a CADASIL phenotype, with noted presence of granular osmiophilic material (GOM, a characteristic feature of CADASIL; Mönkäre et al. 2022. PubMed ID: 36086804). This variant is reported in 0.011% of alleles in individuals of Ashkenazi Jewish descent in gnomAD; however, the gnomAD variants have low read depth and variant allele frequency, calling the data into question. Although we suspect that this variant may be pathogenic for CADASIL, at this time, the clinical significance of this variant is uncertain due to insufficient functional and genetic evidence.

GeneDx
Classification: Uncertain significance. Last evaluated: 2024-07-03. Review status: criteria provided, single submitter. Criteria: GeneDx Variant Classification Process June 2021. Collection method: clinical testing. Allele origin: germline. Affected: yes.
Comment: Reported previously in a patient with a suspected diagnosis of CADASIL, with white matter changes on MRI, psychiatric symptoms, and cognitive impairment (PMID: 36086804); Frameshift variant predicted to result in abnormal protein length as the last 287 amino acids are replaced with 59 different amino acids, and other similar variants have been reported in HGMD; This variant is associated with the following publications: (PMID: 36086804)

Labcorp Genetics (formerly Invitae), Labcorp
Classification: Uncertain significance. Last evaluated: 2023-11-17. Review status: criteria provided, single submitter. Criteria: Invitae Variant Classification Sherloc (09022015). Collection method: clinical testing. Allele origin: germline.
Comment: This sequence change creates a premature translational stop signal (p.Gly2035Argfs*60) in the NOTCH3 gene. While this is not anticipated to result in nonsense mediated decay, it is expected to disrupt the last 287 amino acid(s) of the NOTCH3 protein. The frequency data for this variant in the population databases is considered unreliable, as metrics indicate poor data quality at this position in the gnomAD database. This premature translational stop signal has been observed in individual(s) with cerebral arteriopathy with subcortical infarcts and leukoencephalopathy 1 (PMID: 36086804). ClinVar contains an entry for this variant (Variation ID: 1807361). In summary, the available evidence is currently insufficient to determine the role of this variant in disease. Therefore, it has been classified as a Variant of Uncertain Significance.

Athena Diagnostics
Classification: Uncertain significance. Last evaluated: 2022-05-25. Review status: criteria provided, single submitter. Criteria: Athena Diagnostics Criteria. Collection method: clinical testing. Allele origin: unknown.

Literature cited by the submitters: PubMed 36086804 (cited by Ambry Genetics and Labcorp Genetics (formerly Invitae), Labcorp); PubMed 40438539 (cited by Ambry Genetics).